The following is an entry in ClinVar:

NM_000540.3(RYR1):c.14968A>G (p.Met4990Val)

Gene: RYR1 (ryanodine receptor 1; plus strand). Cytogenetic location: 19q13.2.
Variant type: single nucleotide variant.
Coding change: c.14968A>G on transcript NM_000540.3 (MANE Select); coding-DNA position 14968, A replaced by G.
Protein change: p.Met4990Val; replaces methionine 4990 with valine.
Molecular consequence: missense variant.
Genome position (GRCh38, 1-based): chr19:38,586,190, A>G. VCF-style: chr19-38586190-A-G. GRCh37 (hg19) VCF-style: chr19-39076830-A-G.
Other names: NM_001042723.2:c.14953A>G; c.14953A>G, p.Met4985Val (NM_001042723.2); short protein forms M4985V, M4990V.
Identifiers: ClinVar variation 1213824 (VCV001213824.3), dbSNP rs2145918316, ClinGen allele CA405693438.

ClinVar aggregate classification (germline): Uncertain significance (3 of 4 stars; one submission).

Conditions:
Malignant hyperthermia of anesthesia. Also called: Anesthesic-triggered malignant hyperthermia. Identifiers: Orphanet 423, MedGen C0024591, MONDO:0018493, HP:0034733.

Submission:

ClinGen Malignant Hyperthermia Susceptibility Variant Curation Expert Panel, ClinGen
Classification: Uncertain significance for Malignant hyperthermia of anesthesia. Last evaluated: 2025-08-01. Review status: reviewed by expert panel. Criteria: ClinGen MHS ACMG Specifications V2. Collection method: curation. Allele origin: germline. Inheritance: Autosomal dominant inheritance.
Comment: This pathogenicity assessment is relevant only for malignant hyperthermia susceptibility (MHS) inherited in an autosomal dominant pattern. Variants in RYR1 can also cause other myopathies inherited in an autosomal dominant pattern or in an autosomal recessive pattern. Some of these disorders may predispose individuals to malignant hyperthermia. RYR1 variants may also contribute to a malignant hyperthermia reaction in combination with other genetic and non-genetic factors and the clinician needs to consider such factors in making management decisions. This sequence variant predicts a substitution of methionine with valine at codon 4990 of the RYR1 protein, p.(Met4990Val). This variant was not present in a large population database (gnomAD) at the time this variant was interpreted. This variant has been reported in an individual with a personal or family history of an MH episode and a positive in vitro contracture test (IVCT) or caffeine halothane contracture test (CHCT) result (if the proband was unavailable for testing, a positive diagnostic test result in a mutation-positive relative was counted), PS4_Supporting (PMID:21455645). No functional studies were identified for this variant. This variant resides in a region of RYR1 considered to be a hotspot for pathogenic variants that contribute to MHS, PM1_Supporting (PMID: 21118704). A REVEL score of 0.646 supports neither a pathogenic nor a benign status for this variant. This variant has been classified as a Variant of Unknown Significance. Criteria implemented: PS4_Supporting, PM1_Supporting.